The following is an entry in ClinVar:

ClinVar aggregate classification (germline): Pathogenic. Review status: criteria provided, multiple submitters, no conflicts (2 of 4 stars). 3 submissions from 3 submitters: Pathogenic (3). Last evaluated 2024-09-11.

Conditions:
GNAS-related disorder. Identifiers: MedGen CN380105.

Submissions (3):

Labcorp Genetics (formerly Invitae), Labcorp
Classification: Pathogenic. Last evaluated: 2024-09-11. Review status: criteria provided, single submitter. Criteria: Invitae Variant Classification Sherloc (09022015). Collection method: clinical testing. Allele origin: germline.
Comment: This sequence change replaces proline, which is neutral and non-polar, with serine, which is neutral and polar, at codon 115 of the GNAS protein (p.Pro115Ser). This variant is not present in population databases (gnomAD no frequency). This missense change has been observed in individual(s) with GNAS-related conditions (PMID: 9876352, 21274345, 28296742, 29059381). In at least one individual the variant was observed to be de novo. ClinVar contains an entry for this variant (Variation ID: 1459427). Invitae Evidence Modeling of protein sequence and biophysical properties (such as structural, functional, and spatial information, amino acid conservation, physicochemical variation, residue mobility, and thermodynamic stability) indicates that this missense variant is expected to disrupt GNAS protein function with a positive predictive value of 80%. For these reasons, this variant has been classified as Pathogenic.

CeGaT Center for Human Genetics Tuebingen
Classification: Pathogenic. Last evaluated: 2022-02-01. Review status: criteria provided, single submitter. Criteria: CeGaT Center For Human Genetics Tuebingen Variant Classification Criteria Version 2. Collection method: clinical testing. Allele origin: germline. Affected: yes. Observed: 1 variant allele.

Blueprint Genetics
Classification: Pathogenic for GNAS-related disorders. Last evaluated: 2021-02-02. Review status: criteria provided, single submitter. Criteria: ACMG Guidelines, 2015. Collection method: clinical testing. Allele origin: germline. Affected: yes. Observed: 1 variant allele.

Literature cited by the submitters: PubMed 9876352 (cited by Labcorp Genetics (formerly Invitae), Labcorp); PubMed 21274345 (cited by Labcorp Genetics (formerly Invitae), Labcorp); PubMed 28296742 (cited by Labcorp Genetics (formerly Invitae), Labcorp); PubMed 29059381 (cited by Labcorp Genetics (formerly Invitae), Labcorp).

NM_000516.7(GNAS):c.343C>T (p.Pro115Ser)

Gene: GNAS (GNAS complex locus; plus strand). Cytogenetic location: 20q13.32.
Variant type: single nucleotide variant.
Coding change: c.343C>T on transcript NM_000516.7 (MANE Select); coding-DNA position 343, C replaced by T.
Protein change: p.Pro115Ser; replaces proline 115 with serine.
Molecular consequence: missense variant. On other transcripts: 3 prime UTR variant (2).
Genome position (GRCh38, 1-based): chr20:58,903,702, C>T. VCF-style: chr20-58903702-C-T. GRCh37 (hg19) VCF-style: chr20-57478757-C-T.
Other names: c.346C>T, p.Pro116Ser (NM_001077488.5); c.298C>T, p.Pro100Ser (NM_001077489.4); c.*204C>T (NM_001077490.3); c.166C>T, p.Pro56Ser (NM_001309840.2, NM_001309861.2); c.*249C>T (NM_016592.5); c.2272C>T, p.Pro758Ser (NM_080425.4); c.301C>T, p.Pro101Ser (NM_080426.4); short protein forms P100S, P56S, P115S, P101S, P116S, P758S.
Identifiers: ClinVar variation 1459427 (VCV001459427.40), dbSNP rs2146182909, ClinGen allele CA409450417.